The following is an entry in ClinVar:

ClinVar aggregate classification (germline): Likely benign (1 of 4 stars; one submission).

Submission:

CeGaT Center for Human Genetics Tuebingen
Classification: Likely benign. Last evaluated: 2022-05-01. Review status: criteria provided, single submitter. Criteria: CeGaT Center For Human Genetics Tuebingen Variant Classification Criteria Version 2. Collection method: clinical testing. Allele origin: germline. Affected: yes. Observed: 1 variant allele.
Comment: TET2: PM2:Supporting, BP4, BP7

NM_001127208.3(TET2):c.5610A>G (p.Ser1870=)

Genes: TET2 (tet methylcytosine dioxygenase 2; plus strand), TET2-AS1 (TET2 antisense RNA 1; minus strand). Cytogenetic location: 4q24.
Variant type: single nucleotide variant.
Coding change: c.5610A>G on transcript NM_001127208.3 (MANE Select); coding-DNA position 5610, A replaced by G.
Protein change: p.Ser1870=; no amino-acid change (serine 1870 retained).
Molecular consequence: synonymous variant.
Genome position (GRCh38, 1-based): chr4:105,276,120, A>G. VCF-style: chr4-105276120-A-G. GRCh37 (hg19) VCF-style: chr4-106197277-A-G.
Identifiers: ClinVar variation 2655001 (VCV002655001.24), dbSNP rs2476753519, ClinGen allele CA440814933.